The following is an entry in ClinVar:

ClinVar aggregate classification (germline): Likely benign. Review status: criteria provided, multiple submitters, no conflicts (2 of 4 stars). 6 submissions from 6 submitters: Likely benign (5). 1 of the submissions does not count toward it. Last evaluated 2026-01-27.

Conditions:
ELAC2-related disorder. Also called: ELAC2-related condition.
Combined oxidative phosphorylation defect type 17. Also called: Combined oxidative phosphorylation deficiency 17. Identifiers: Orphanet 369913, MedGen C3809526, MONDO:0014190, OMIM 615440.
Prostate cancer, hereditary, 2 (HPC2). Identifiers: Orphanet 1331, MedGen C3539120, MONDO:0013872, OMIM 614731.

Allele frequency attached by ClinVar (database versions not stated): ExAC 0.00029; gnomAD exomes 0.00029 and 0.00047; 1000 Genomes Project 30x 0.00031; gnomAD 0.00034 and 0.00037; TOPMed 0.00035; ESP Exome Variant Server 0.00038; 1000 Genomes Project 0.00040.
gnomAD v4.1: 748 of 1,611,408 alleles (0.046%); highest among the groups gnomAD compares: Admixed American, 0.057%; no homozygotes.

Submissions (6):

Labcorp Genetics (formerly Invitae), Labcorp
Classification: Likely benign for Combined oxidative phosphorylation defect type 17. Last evaluated: 2026-01-27. Review status: criteria provided, single submitter. Criteria: Invitae Variant Classification Sherloc (09022015). Collection method: clinical testing. Allele origin: germline.

Mayo Clinic Laboratories, Mayo Clinic
Classification: Likely benign. Last evaluated: 2025-08-27. Review status: criteria provided, single submitter. Criteria: ACMG Guidelines, 2015. Collection method: clinical testing. Allele origin: germline. Observed: 2 variant alleles.
Comment: BP4, BP7

Blueprint Genetics
Classification: Likely benign. Last evaluated: 2024-11-14. Review status: criteria provided, single submitter. Criteria: ACMG Guidelines, 2015. Collection method: clinical testing. Allele origin: germline.

KCCC/NGS Laboratory, Kuwait Cancer Control Center
Classification: Likely benign for Prostate cancer, hereditary, 2. Last evaluated: 2023-07-07. Review status: criteria provided, single submitter. Criteria: ACMG Guidelines, 2015. Collection method: clinical testing. Allele origin: germline. Affected: yes.

GeneDx
Classification: Likely benign. Last evaluated: 2021-03-24. Review status: criteria provided, single submitter. Criteria: GeneDx Variant Classification Process June 2021. Collection method: clinical testing. Allele origin: germline. Affected: yes.

PreventionGenetics, part of Exact Sciences
Classification: Likely benign for ELAC2-related condition. Last evaluated: 2024-06-06. Review status: no assertion criteria provided. Collection method: clinical testing. Allele origin: germline. Not counted in ClinVar's aggregate classification.
Comment: This variant is classified as likely benign based on ACMG/AMP sequence variant interpretation guidelines (Richards et al. 2015 PMID: 25741868, with internal and published modifications).

NM_018127.7(ELAC2):c.2376G>A (p.Ala792=)

Gene: ELAC2 (elaC ribonuclease Z 2; minus strand). Cytogenetic location: 17p12.
Variant type: single nucleotide variant.
Coding change: c.2376G>A on transcript NM_018127.7 (MANE Select); coding-DNA position 2376, G replaced by A.
Protein change: p.Ala792=; no amino-acid change (alanine 792 retained).
Molecular consequence: synonymous variant.
Genome position (GRCh38, 1-based): chr17:12,992,923, C>T on the plus strand (G>A on the coding strand, the complement: ELAC2 is on the minus strand). VCF-style: chr17-12992923-C-T. GRCh37 (hg19) VCF-style: chr17-12896240-C-T.
Other names: p.Ala792=; c.2256G>A, p.Ala752= (NM_001165962.2); c.2373G>A, p.Ala791= (NM_173717.2); c.2256G>A (NM_001165962.1).
Identifiers: ClinVar variation 220685 (VCV000220685.15), dbSNP rs180717697, ClinGen allele CA350650.